The following is an entry in ClinVar:

NM_001267550.2(TTN):c.3351dup (p.Ser1118fs)

Gene: TTN (titin; minus strand). Cytogenetic location: 2q31.2.
Variant type: Duplication.
Coding change: c.3351dup on transcript NM_001267550.2 (MANE Select); coding-DNA position 3351, one base duplicated (A; older notation c.3351dupA).
Protein change: p.Ser1118fs; shifts the reading frame from serine 1118.
Molecular consequence: frameshift variant.
Genome position (GRCh38, 1-based): chr2:178,782,241, T duplicated on the plus strand (A on the coding strand, the reverse complement: TTN is on the minus strand); the first of 6 consecutive T bases (chr2:178,782,241-178,782,246); duplicating any one gives the same sequence. VCF-style (leftmost placement, unchanged base first): chr2-178782240-A-AT. GRCh37 (hg19) VCF-style: chr2-179646967-A-AT.
Other names: c.3351dup, p.Ser1118fs (NM_001256850.1, NM_133378.4, NM_133379.5); c.3213dup, p.Ser1072fs (NM_003319.4, NM_133432.3, NM_133437.4); c.3351dupA (NM_001267550.2, NM_001267550.1); c.3213dupA (NM_003319.4); short protein forms S1118fs, S1072fs.
Identifiers: ClinVar variation 978537 (VCV000978537.13), dbSNP rs2092847994, ClinGen allele CA1139532842.

ClinVar aggregate classification (germline): Likely pathogenic. Review status: criteria provided, multiple submitters, no conflicts (2 of 4 stars). 6 submissions from 6 submitters: Likely pathogenic (5). 1 of the submissions does not count toward it. Last evaluated 2026-07-22.

Conditions:
Dilated cardiomyopathy 1G (CMD1G). Identifiers: Orphanet 154, MedGen C1858763, MONDO:0011400, OMIM 604145.
TTN-related disorder. Also called: TTN-related condition; TTN-related disease; TTN-related disorders.
Cardiovascular phenotype. Identifiers: MedGen CN230736.
Autosomal recessive limb-girdle muscular dystrophy type 2J (LGMDR10). Also called: Limb-girdle muscular dystrophy, type 2J; MUSCULAR DYSTROPHY, LIMB-GIRDLE, AUTOSOMAL RECESSIVE 10. Identifiers: Orphanet 140922, MedGen C1837342, MONDO:0012127, OMIM 608807.

Submissions (6):

PreventionGenetics, part of Exact Sciences
Classification: Likely pathogenic for TTN-related condition. Last evaluated: 2026-07-22. Review status: criteria provided, single submitter. Criteria: ACMG Guidelines, 2015. Collection method: clinical testing. Allele origin: germline.
Comment: The TTN c.3351dupA variant is predicted to result in a frameshift and premature protein termination (p.Ser1118Ilefs*21). This variant has been reported in at least one individual with dilated cardiomyopathy (Supplemental material, Marston et al. 2015. PubMed ID: 26406308; Table S1, Vikhorev et al. 2017. PubMed ID: 29093449). This variant has also been reported in an individual with non-ischemic cardiomyopathy and atrial fibrillation (Table S1, Rich et al. 2020. PubMed ID: 32815318). This variant has not been reported in a large population database (gnomAD), indicating this variant is rare. This variant is located in the TTN protein Z-disk region. RNAseq studies from heart tissue indicate this exon is commonly included in TTN mRNA transcripts (PSI of 100%, Roberts et al. 2015. PubMed ID: 25589632). TTN loss-of-function variants occurring in constitutively expressed exons (PSI > 90%) are more likely to be disease causing for TTN cardiac-related disorders regardless of band location (Roberts et al. 2015. PubMed ID: 25589632; Schafer et al. 2017. PubMed ID: 27869827; Akhtar et al. 2020. PubMed ID: 32964742). Many cases of recessive TTN-related myopathies in which the individual is compound heterozygous for two loss-of-function variants in TTN have also been reported (Oates et al. 2018. PubMed ID: 29691892; Ge et al. 2019. PubMed ID: 31053406; Rees et al. 2021. PubMed ID: 33449170). In summary, this variant is categorized as likely pathogenic. Of note, this variant is considered likely pathogenic for increased risk of TTN-related cardiac disorders, and also for autosomal recessive TTN-related congenital titinopathies.

Labcorp Genetics (formerly Invitae), Labcorp
Classification: Likely pathogenic for Dilated cardiomyopathy 1G; Autosomal recessive limb-girdle muscular dystrophy type 2J. Last evaluated: 2025-10-13. Review status: criteria provided, single submitter. Criteria: Invitae Variant Classification Sherloc (09022015). Collection method: clinical testing. Allele origin: germline.
Comment: This sequence change creates a premature translational stop signal (p.Ser1118Ilefs*21) in the TTN gene. While this is not anticipated to result in nonsense mediated decay, it is expected to create a truncated TTN protein. This variant is not present in population databases (gnomAD no frequency). This variant has not been observed in the literature in individuals with autosomal recessive TTN-related conditions. This variant has been reported in individual(s) with autosomal dominant dilated cardiomyopathy (PMID: 29093449, 32815318, 39844436); however, the role of the variant in this condition is currently unclear. ClinVar contains an entry for this variant (Variation ID: 978537). This variant is located in the Z band of TTN (PMID: 25589632). Truncating variants in this region have been reported in individuals affected with autosomal recessive centronuclear myopathy (PMID: 33449170, internal data). Truncating variants in this region have also been identified in individuals affected with autosomal dominant dilated cardiomyopathy and/or cardio-related conditions (PMID: 27869827, 32964742, internal data). In summary, the currently available evidence indicates that the variant is pathogenic, but additional data are needed to prove that conclusively. Therefore, this variant has been classified as Likely Pathogenic.

Ambry Genetics
Classification: Likely pathogenic for Cardiovascular phenotype. Last evaluated: 2025-02-25. Review status: criteria provided, single submitter. Criteria: Ambry Variant Classification Scheme 2023. Collection method: clinical testing. Allele origin: germline.
Comment: The c.3213dupA variant, located in coding exon 18 of the TTN gene, results from a duplication of A at nucleotide position 3213, causing a translational frameshift with a predicted alternate stop codon (p.S1072Ifs*21). This exon is located in the near Z-disk region of the N2-B isoform of the titin protein and is constitutively expressed in TTN transcripts (percent spliced in or PSI 100%). This variant (referred to as p.S1118Ifs*21) was reported in individual(s) with features consistent with dilated cardiomyopathy (Marston S et al. PLoS One, 2015 Sep;10:e0138568; Ambry internal data). This variant is considered to be rare based on population cohorts in the Genome Aggregation Database (gnomAD). This variant is expected to result in loss of function by premature protein truncation or nonsense-mediated mRNA decay. While truncating variants in TTN are present in 1-3% of the general population, truncating variants in the A-band are the most common cause of dilated cardiomyopathy (Herman DS et al. N. Engl. J. Med., 2012 Feb;366:619-28; Roberts AM et al. Sci Transl Med, 2015 Jan;7:270ra6). TTN truncating variants encoded in constitutive exons (PSI >90%) have been found to be significantly associated with DCM regardless of their position in titin (Schafer S et al. Nat. Genet., 2017 01;49:46-53; Akhtar MM et al. Circ Heart Fail, 2020 Oct;13:e006832; Massier M et al. Clin Genet, 2025 Jan). Based on the majority of available evidence to date, this variant is likely to be pathogenic.

Victorian Clinical Genetics Services, Murdoch Childrens Research Institute
Classification: Likely pathogenic for Dilated cardiomyopathy 1G. Last evaluated: 2024-09-22. Review status: criteria provided, single submitter. Criteria: ACMG Guidelines, 2015. Collection method: clinical testing. Allele origin: germline. Inheritance: Autosomal dominant inheritance.
Comment: Based on the classification scheme VCGS_Germline_v1.3.4, this variant is classified as Likely pathogenic. Following criteria are met: 0102 - Loss of function is known mechanism of disease in this gene. In addition, dominant-negative is also a suggested mechanism. (PMID: 25589632). (I) 0108 - This gene is associated with both recessive and dominant disease (OMIM). (I) 0112 - The condition associated with this gene has incomplete penetrance. Variants in this gene that result in a premature termination codon (PTC) are known to have reduced penetrance in DCM (PMID: 25589632). (I) 0201 - Variant is predicted to cause nonsense-mediated decay (NMD) and loss of protein (premature termination codon is located at least 54 nucleotides upstream of the final exon-exon junction). (SP) 0251 - This variant is heterozygous. (I) 0301 - Variant is absent from gnomAD (both v2 and v3). (SP) 0600 - Variant is located near the Z-disk and the exon has a PSI score of 100% (PMID: 25589632). (I) 0702 - Other NMD-predicted variants comparable to the one identified in this case have strong previous evidence for pathogenicity (ClinVar). (SP) 0802 - This variant has moderate previous evidence of pathogenicity in unrelated individuals. This variant has been reported in multiple individuals with cardiomyopathy (PMID: 29093449, Invitae person communication) and has been classified as both likely pathogenic and a VUS by clinical laboratories in ClinVar. (SP) 0905 - No published segregation evidence has been identified for this variant. (I) 1007 - No published functional evidence has been identified for this variant. (I) 1208 - Inheritance information for this variant is not currently available in this individual. (I) Legend: (SP) - Supporting pathogenic, (I) - Information, (SB) - Supporting benign

AiLife Diagnostics
Classification: Likely pathogenic. Last evaluated: 2021-12-02. Review status: criteria provided, single submitter. Criteria: ACMG Guidelines, 2015. Collection method: clinical testing. Allele origin: germline. Affected: yes. Observed: 1 variant allele.

Cardiogenetics and Myogenetics Molecular and Cellular Functional Unit, Aphp Sorbonne University-Hopital Pitie Salpetriere
Classification: Likely pathogenic for Dilated cardiomyopathy 1G. Last evaluated: 2024-01-06. Review status: no assertion criteria provided. Collection method: clinical testing. Allele origin: germline. Affected: yes. Not counted in ClinVar's aggregate classification.

Literature cited by the submitters: PubMed 29093449 (cited by 3 submitters); PubMed 32815318 (cited by Labcorp Genetics (formerly Invitae), Labcorp); PubMed 39844436 (cited by Labcorp Genetics (formerly Invitae), Labcorp); PubMed 25589632 (cited by Labcorp Genetics (formerly Invitae), Labcorp and Victorian Clinical Genetics Services, Murdoch Childrens Research Institute); PubMed 33449170 (cited by Labcorp Genetics (formerly Invitae), Labcorp); PubMed 27869827 (cited by Labcorp Genetics (formerly Invitae), Labcorp); PubMed 32964742 (cited by Labcorp Genetics (formerly Invitae), Labcorp); PubMed 26406308 (cited by Ambry Genetics and AiLife Diagnostics).